The following is an entry in ClinVar:

NM_006206.6(PDGFRA):c.3242C>T (p.Ser1081Leu)

Gene: PDGFRA (platelet derived growth factor receptor alpha; plus strand). Cytogenetic location: 4q12.
Variant type: single nucleotide variant.
Coding change: c.3242C>T on transcript NM_006206.6 (MANE Select); coding-DNA position 3242, C replaced by T.
Protein change: p.Ser1081Leu; replaces serine 1081 with leucine.
Molecular consequence: missense variant.
Genome position (GRCh38, 1-based): chr4:54,295,244, C>T. VCF-style: chr4-54295244-C-T. GRCh37 (hg19) VCF-style: chr4-55161411-C-T.
Other names: c.3317C>T, p.Ser1106Leu (NM_001347828.2); c.3242C>T, p.Ser1081Leu (NM_001347829.2); c.3281C>T, p.Ser1094Leu (NM_001347830.2); short protein forms S1081L, S1094L, S1106L.
Identifiers: ClinVar variation 1060284 (VCV001060284.7), dbSNP rs1724828300, ClinGen allele CA356896705.

ClinVar aggregate classification (germline): Uncertain significance (1 of 4 stars; one submission).

Conditions:
Gastrointestinal stromal tumor. Also called: Gastrointestinal stromal tumor, somatic; Gastrointestinal stroma tumor. Identifiers: Orphanet 44890, MedGen C0238198, MeSH D046152, MONDO:0011719, OMIM 606764, HP:0100723.

Allele frequency attached by ClinVar (database versions not stated): gnomAD 0.00001.
gnomAD v4.1: 1 of 1,613,928 alleles (0.000062%); no homozygotes.

Submission:

Labcorp Genetics (formerly Invitae), Labcorp
Classification: Uncertain significance for Gastrointestinal stromal tumor. Last evaluated: 2023-05-23. Review status: criteria provided, single submitter. Criteria: Invitae Variant Classification Sherloc (09022015). Collection method: clinical testing. Allele origin: germline.
Comment: In summary, the available evidence is currently insufficient to determine the role of this variant in disease. Therefore, it has been classified as a Variant of Uncertain Significance. An algorithm developed to predict the effect of missense changes on protein structure and function (PolyPhen-2) suggests that this variant is likely to be disruptive. ClinVar contains an entry for this variant (Variation ID: 1060284). This variant has not been reported in the literature in individuals affected with PDGFRA-related conditions. This variant is not present in population databases (gnomAD no frequency). This sequence change replaces serine, which is neutral and polar, with leucine, which is neutral and non-polar, at codon 1081 of the PDGFRA protein (p.Ser1081Leu).